The following is an entry in ClinVar:

ClinVar aggregate classification (germline): Uncertain significance (1 of 4 stars; one submission).

Allele frequency attached by ClinVar (database versions not stated): ExAC 0.00002; gnomAD exomes 0.00003; gnomAD 0.00005; TOPMed 0.00007; ESP Exome Variant Server 0.00015; 1000 Genomes Project 30x 0.00016; 1000 Genomes Project 0.00020.

Submission:

Labcorp Genetics (formerly Invitae), Labcorp
Classification: Uncertain significance. Last evaluated: 2025-05-03. Review status: criteria provided, single submitter. Criteria: Invitae Variant Classification Sherloc (09022015). Collection method: clinical testing. Allele origin: germline.
Comment: This sequence change replaces methionine, which is neutral and non-polar, with valine, which is neutral and non-polar, at codon 313 of the RELA protein (p.Met313Val). This variant is present in population databases (rs12721572, gnomAD 0.006%). This variant has not been reported in the literature in individuals affected with RELA-related conditions. ClinVar contains an entry for this variant (Variation ID: 1437704). An algorithm developed to predict the effect of missense changes on protein structure and function (PolyPhen-2) suggests that this variant is likely to be tolerated. In summary, the available evidence is currently insufficient to determine the role of this variant in disease. Therefore, it has been classified as a Variant of Uncertain Significance.

NM_021975.4(RELA):c.937A>G (p.Met313Val)

Gene: RELA (RELA proto-oncogene, NF-kB subunit; minus strand). Cytogenetic location: 11q13.1.
Variant type: single nucleotide variant.
Coding change: c.937A>G on transcript NM_021975.4 (MANE Select); coding-DNA position 937, A replaced by G.
Protein change: p.Met313Val; replaces methionine 313 with valine.
Molecular consequence: missense variant.
Genome position (GRCh38, 1-based): chr11:65,655,876, T>C on the plus strand (A>G on the coding strand, the complement: RELA is on the minus strand). VCF-style: chr11-65655876-T-C. GRCh37 (hg19) VCF-style: chr11-65423347-T-C.
Other names: c.928A>G, p.Met310Val (NM_001145138.2); c.937A>G, p.Met313Val (NM_001243984.2, NM_001243985.2); short protein forms M310V, M313V.
Identifiers: ClinVar variation 1437704 (VCV001437704.6), dbSNP rs12721572, ClinGen allele CA6106746.